The following is an entry in ClinVar:

NM_138713.4(NFAT5):c.361A>T (p.Met121Leu)

Gene: NFAT5 (nuclear factor of activated T cells 5; plus strand). Cytogenetic location: 16q22.1.
Variant type: single nucleotide variant.
Coding change: c.361A>T on transcript NM_138713.4 (MANE Select); coding-DNA position 361, A replaced by T.
Protein change: p.Met121Leu; replaces methionine 121 with leucine.
Molecular consequence: missense variant. On other transcripts: synonymous variant (1).
Genome position (GRCh38, 1-based): chr16:69,647,135, A>T. VCF-style: chr16-69647135-A-T. GRCh37 (hg19) VCF-style: chr16-69681038-A-T.
Other names: c.361A>T, p.Met121Leu (NM_001113178.3); c.108A>T, p.Leu36= (NM_001367709.1); c.307A>T, p.Met103Leu (NM_006599.4); c.79A>T, p.Met27Leu (NM_138714.4, NM_173214.3, NM_173215.3); short protein forms M103L, M121L, M27L.
Identifiers: ClinVar variation 1026296 (VCV001026296.8), dbSNP rs747303047, ClinGen allele CA396483581.

ClinVar aggregate classification (germline): Uncertain significance (1 of 4 stars; one submission).

Conditions:
Immunodeficiency. Identifiers: MedGen C0021051, MONDO:0021094, HP:0002721.

Submission:

Labcorp Genetics (formerly Invitae), Labcorp
Classification: Uncertain significance for Immunodeficiency. Last evaluated: 2020-10-21. Review status: criteria provided, single submitter. Criteria: Invitae Variant Classification Sherloc (09022015). Collection method: clinical testing. Allele origin: germline.
Comment: This sequence change replaces methionine with leucine at codon 27 of the NFAT5 protein (p.Met27Leu). The methionine residue is highly conserved and there is a small physicochemical difference between methionine and leucine. In summary, the available evidence is currently insufficient to determine the role of this variant in disease. Therefore, it has been classified as a Variant of Uncertain Significance. Algorithms developed to predict the effect of missense changes on protein structure and function are either unavailable or do not agree on the potential impact of this missense change (SIFT: "Tolerated"; PolyPhen-2: "Possibly Damaging"; Align-GVGD: "Class C0"). This variant has not been reported in the literature in individuals with NFAT5-related conditions. This variant is not present in population databases (ExAC no frequency).